The following is an entry in ClinVar:

ClinVar aggregate classification (germline): Uncertain significance (1 of 4 stars; one submission).

Submission:

GeneDx
Classification: Uncertain significance. Last evaluated: 2013-02-28. Review status: criteria provided, single submitter. Criteria: GeneDx Variant Classification (06012015). Collection method: clinical testing. Allele origin: germline. Affected: yes.
Comment: Missense variants in the TTN gene are considered 'unclassified' if they are not previously reported in the literature and do not have >1% frequency in the population to be considered a polymorphism. Research indicates that truncating mutations in the TTN gene are expected to account for approximately 25% of familial and 18% of sporadic idiopathic DCM; however, truncating variants in the TTN gene have been reported in approximately 3% of reported control alleles. There has been little investigation into non-truncating variants. (Herman D et al. Truncations of titin causing dilated cardiomyopathy. N Eng J Med 366:619-628, 2012) The variant is found in DCM panel(s).

NM_001267550.2(TTN):c.97534T>A (p.Ser32512Thr)

Genes: TTN-AS1 (TTN antisense RNA 1; plus strand), TTN (titin; minus strand). Cytogenetic location: 2q31.2.
Variant type: single nucleotide variant.
Coding change: c.97534T>A on transcript NM_001267550.2 (MANE Select); coding-DNA position 97534, T replaced by A.
Protein change: p.Ser32512Thr; replaces serine 32512 with threonine.
Molecular consequence: missense variant.
Genome position (GRCh38, 1-based): chr2:178,541,543, A>T on the plus strand (T>A on the coding strand, the complement: TTN is on the minus strand). VCF-style: chr2-178541543-A-T. GRCh37 (hg19) VCF-style: chr2-179406270-A-T.
Other names: p.S30871T:TCC>ACC; c.92611T>A, p.Ser30871Thr (NM_001256850.1); c.70339T>A, p.Ser23447Thr (NM_003319.4); c.89830T>A, p.Ser29944Thr (NM_133378.4); c.70714T>A, p.Ser23572Thr (NM_133432.3); c.70915T>A, p.Ser23639Thr (NM_133437.4); short protein forms S30871T, S32512T, S29944T, S23447T, S23572T, S23639T.
Identifiers: ClinVar variation 203030 (VCV000203030.2), dbSNP rs794729544, ClinGen allele CA311028.
Genomic context (GRCh38, chr2:178,541,543, plus strand): 5'-TCACTTGGGAGCCACCGTCATCCTCTGGTGGGTACCAAGTAAGTGTCATGCCATCACGGG[A>T]AACATCAAATATCTGTAATGTTTCTGGGGGTCCAGGAATACCTGCAGCAAGACAGAGGTT-3'
Protein context (NP_001254479.2, residues 32502-32522): PPETLQIFDV[Ser32512Thr]RDGMTLTWYP